The following is an entry in ClinVar:

NM_001384125.1(BLTP1):c.5194T>C (p.Cys1732Arg)

Gene: BLTP1 (bridge-like lipid transfer protein family member 1; plus strand). Cytogenetic location: 4q27.
Variant type: single nucleotide variant.
Coding change: c.5194T>C on transcript NM_001384125.1 (MANE Select); coding-DNA position 5194, T replaced by C.
Protein change: p.Cys1732Arg; replaces cysteine 1732 with arginine.
Molecular consequence: missense variant.
Genome position (GRCh38, 1-based): chr4:122,246,692, T>C. VCF-style: chr4-122246692-T-C. GRCh37 (hg19) VCF-style: chr4-123167847-T-C.
Other names: c.5194T>C, p.Cys1732Arg (NM_015312.4); short protein forms C1732R.
Identifiers: ClinVar variation 1303712 (VCV001303712.27), dbSNP rs75923324, ClinGen allele CA3066564.
Genomic context (GRCh38, chr4:122,246,692, plus strand): 5'-TTAAGTGGTAATTTTTCACTTGTCAGTTCTGAAATTTTGTGTGTGTGTTAGGTAAACTTA[T>C]GTTTGTTACAAGCCTCAGTGGAAGAATCTCCAACTACGGCTCCTAGTAGGAGTGTGACTC-3'
Protein context (NP_001371054.1, residues 1722-1742): TNVSIPKVNL[Cys1732Arg]LLQASVEESP

ClinVar aggregate classification (germline): Conflicting classifications of pathogenicity. Review status: criteria provided, conflicting classifications (1 of 4 stars). 3 submissions from 3 submitters: Uncertain significance (2); Likely benign (1). Last evaluated 2026-09-01.

Conditions:
Alkuraya-Kucinskas syndrome. Identifiers: Orphanet 610569, MedGen C4693347, MONDO:0060631, OMIM 617822.

Allele frequency attached by ClinVar (database versions not stated): TOPMed 0.00131; gnomAD exomes 0.00151; ESP Exome Variant Server 0.00160; gnomAD 0.00160 and 0.00161; ExAC 0.00180.
gnomAD v4.1: 3,260 of 1,612,104 alleles (0.2%); highest among the groups gnomAD compares: Non-Finnish European, 0.25%; 8 homozygotes.

Submissions (3):

CeGaT Center for Human Genetics Tuebingen
Classification: Likely benign. Last evaluated: 2026-09-01. Review status: criteria provided, single submitter. Criteria: CeGaT Center For Human Genetics Tuebingen Variant Classification Criteria Version 2. Collection method: clinical testing. Allele origin: germline. Affected: yes. Observed: 5 variant alleles.
Comment: BLTP1: BS2

Genomic Medicine Center of Excellence, King Faisal Specialist Hospital and Research Centre
Classification: Uncertain significance for Alkuraya-Kucinskas syndrome. Last evaluated: 2024-03-14. Review status: criteria provided, single submitter. Criteria: ACMG Guidelines, 2015. Collection method: clinical testing. Allele origin: germline.

GeneDx
Classification: Uncertain significance. Last evaluated: 2020-12-23. Review status: criteria provided, single submitter. Criteria: GeneDx Variant Classification Process June 2021. Collection method: clinical testing. Allele origin: germline. Affected: yes.
Comment: In silico analysis supports that this missense variant has a deleterious effect on protein structure/function; This variant is associated with the following publications: (PMID: 28600779)